The following is an entry in ClinVar:

NM_006218.4(PIK3CA):c.1631C>G (p.Thr544Ser)

Gene: PIK3CA (phosphatidylinositol-4,5-bisphosphate 3-kinase catalytic subunit alpha; plus strand). Cytogenetic location: 3q26.32.
Variant type: single nucleotide variant.
Coding change: c.1631C>G on transcript NM_006218.4 (MANE Select); coding-DNA position 1631, C replaced by G.
Protein change: p.Thr544Ser; replaces threonine 544 with serine.
Molecular consequence: missense variant.
Genome position (GRCh38, 1-based): chr3:179,218,301, C>G. VCF-style: chr3-179218301-C-G. GRCh37 (hg19) VCF-style: chr3-178936089-C-G.
Other names: short protein forms T544S.
Identifiers: ClinVar variation 1504953 (VCV001504953.8), dbSNP rs2108408335, ClinGen allele CA355265060.

ClinVar aggregate classification (germline): Uncertain significance (1 of 4 stars; one submission).

Conditions:
Cowden syndrome (CS). Also called: Cowden's disease; Cowden's syndrome; Cowden disease. Identifiers: Orphanet 201, MedGen C0018553, MONDO:0016063. Disease mechanism: gain of function.

Submission:

Labcorp Genetics (formerly Invitae), Labcorp
Classification: Uncertain significance for Cowden syndrome. Last evaluated: 2021-01-28. Review status: criteria provided, single submitter. Criteria: Invitae Variant Classification Sherloc (09022015). Collection method: clinical testing. Allele origin: germline.
Comment: In summary, the available evidence is currently insufficient to determine the role of this variant in disease. Therefore, it has been classified as a Variant of Uncertain Significance. Algorithms developed to predict the effect of sequence changes on RNA splicing suggest that this variant may create or strengthen a splice site, but this prediction has not been confirmed by published transcriptional studies. Algorithms developed to predict the effect of missense changes on protein structure and function are either unavailable or do not agree on the potential impact of this missense change (SIFT: "Deleterious"; PolyPhen-2: "Benign"; Align-GVGD: "Class C55"). This variant has not been reported in the literature in individuals with PIK3CA-related conditions. This variant is not present in population databases (ExAC no frequency). This sequence change replaces threonine with serine at codon 544 of the PIK3CA protein (p.Thr544Ser). The threonine residue is highly conserved and there is a small physicochemical difference between threonine and serine.